The following is an entry in ClinVar:

NM_001365951.3(KIF1B):c.3155C>T (p.Thr1052Ile)

Gene: KIF1B (kinesin family member 1B; plus strand). Cytogenetic location: 1p36.22.
Variant type: single nucleotide variant.
Coding change: c.3155C>T on transcript NM_001365951.3 (MANE Select); coding-DNA position 3155, C replaced by T.
Protein change: p.Thr1052Ile; replaces threonine 1052 with isoleucine.
Molecular consequence: missense variant.
Genome position (GRCh38, 1-based): chr1:10,337,099, C>T. VCF-style: chr1-10337099-C-T. GRCh37 (hg19) VCF-style: chr1-10397157-C-T.
Other names: c.3155C>T, p.Thr1052Ile (NM_001365952.1); c.3017C>T, p.Thr1006Ile (NM_015074.3); short protein forms T1052I, T1006I.
Identifiers: ClinVar variation 2912104 (VCV002912104.4), dbSNP rs2521718876, ClinGen allele CA338339637.
Genomic context (GRCh38, chr1:10,337,099, plus strand): 5'-ACTTTACCATGTATCTGCCCCTGCCTTTTTTTCAGAGTGACTTTTCGTCTGTTGCAATGA[C>T]TCGTTCTGGTCTGTCCTTGGAGGAGTTGAGGATTGTGGAAGGACAGGGTCAGAGTTCTGA-3'
Protein context (NP_001352880.1, residues 1042-1062): NQSDFSSVAM[Thr1052Ile]RSGLSLEELR

ClinVar aggregate classification (germline): Uncertain significance. Review status: criteria provided, multiple submitters, no conflicts (2 of 4 stars). 2 submissions from 2 submitters: Uncertain significance (2). Last evaluated 2025-03-07.

Conditions:
Charcot-Marie-Tooth disease type 2. Also called: Charcot-Marie-Tooth type 2. Identifiers: Orphanet 64746, MedGen C0270914, MONDO:0018993.

Allele frequency attached by ClinVar (database versions not stated): gnomAD exomes below 0.00001.
gnomAD v4.1: 3 of 1,614,136 alleles (0.00019%); highest among the groups gnomAD compares: Non-Finnish European, 0.00025%; no homozygotes.

Submissions (2):

Ambry Genetics
Classification: Uncertain significance. Last evaluated: 2025-03-07. Review status: criteria provided, single submitter. Criteria: Ambry Variant Classification Scheme 2023. Collection method: clinical testing. Allele origin: germline.
Comment: The p.T1006I variant (also known as c.3017C>T), located in coding exon 27 of the KIF1B gene, results from a C to T substitution at nucleotide position 3017. The threonine at codon 1006 is replaced by isoleucine, an amino acid with similar properties. This amino acid position is conserved. In addition, this alteration is predicted to be deleterious by in silico analysis. Based on the available evidence, the clinical significance of this variant remains unclear.

Labcorp Genetics (formerly Invitae), Labcorp
Classification: Uncertain significance for Charcot-Marie-Tooth disease type 2. Last evaluated: 2023-07-16. Review status: criteria provided, single submitter. Criteria: Invitae Variant Classification Sherloc (09022015). Collection method: clinical testing. Allele origin: germline.
Comment: This variant is not present in population databases (gnomAD no frequency). This sequence change replaces threonine, which is neutral and polar, with isoleucine, which is neutral and non-polar, at codon 1006 of the KIF1B protein (p.Thr1006Ile). This variant has not been reported in the literature in individuals affected with KIF1B-related conditions. In summary, the available evidence is currently insufficient to determine the role of this variant in disease. Therefore, it has been classified as a Variant of Uncertain Significance. An algorithm developed to predict the effect of missense changes on protein structure and function (PolyPhen-2) suggests that this variant is likely to be disruptive.